The following is an entry in ClinVar:

NM_006231.4(POLE):c.614A>C (p.Glu205Ala)

Gene: POLE (DNA polymerase epsilon, catalytic subunit; minus strand). Cytogenetic location: 12q24.33.
Variant type: single nucleotide variant.
Coding change: c.614A>C on transcript NM_006231.4 (MANE Select); coding-DNA position 614, A replaced by C.
Protein change: p.Glu205Ala; replaces glutamic acid 205 with alanine.
Molecular consequence: missense variant.
Genome position (GRCh38, 1-based): chr12:132,677,684, T>G on the plus strand (A>C on the coding strand, the complement: POLE is on the minus strand). VCF-style: chr12-132677684-T-G. GRCh37 (hg19) VCF-style: chr12-133254270-T-G.
Other names: short protein forms E205A.
Identifiers: ClinVar variation 4141123 (VCV004141123.1).

ClinVar aggregate classification (germline): Uncertain significance (1 of 4 stars; one submission).

Conditions:
Hereditary cancer-predisposing syndrome. Also called: Hereditary neoplastic syndrome; Neoplastic Syndromes, Hereditary; Tumor predisposition; Hereditary Cancer Syndrome. Identifiers: Orphanet 140162, MedGen C0027672, MeSH D009386, MONDO:0015356.

Submission:

Ambry Genetics
Classification: Uncertain significance for Hereditary cancer-predisposing syndrome. Last evaluated: 2025-06-21. Review status: criteria provided, single submitter. Criteria: Ambry Variant Classification Scheme 2023. Collection method: clinical testing. Allele origin: germline.
Comment: The p.E205A variant (also known as c.614A>C), located in coding exon 7 of the POLE gene, results from an A to C substitution at nucleotide position 614. The glutamic acid at codon 205 is replaced by alanine, an amino acid with dissimilar properties. This amino acid position is conserved. In addition, this alteration is predicted to be tolerated by in silico analysis. Based on the available evidence, the clinical significance of this variant remains unclear.